The following is an entry in ClinVar:

ClinVar aggregate classification (germline): Pathogenic. Review status: criteria provided, multiple submitters, no conflicts (2 of 4 stars). 12 submissions from 12 submitters: Pathogenic (11). 1 of the submissions does not count toward it. Last evaluated 2026-02-01.

Conditions:
GALNS-related disorders.
Morquio syndrome. Also called: Eccentrochondrodysplasia; Mucopolysaccharidosis, Type IV; MPS IV; Mucopolysaccharidosis type 4. Identifiers: Orphanet 582, MedGen C0026707, MONDO:0018938.
Mucopolysaccharidosis, MPS-IV-A (MPS4A). Also called: GALACTOSAMINE-6-SULFATASE DEFICIENCY; GALNS DEFICIENCY; MORQUIO A DISEASE; Mucopolysaccharidosis Type IVA; MPS IVA; Mucopolysaccharidosis type IV A. Identifiers: Orphanet 309297, Orphanet 582, MedGen C0086651, MONDO:0009659, OMIM 253000.

Allele frequency attached by ClinVar (database versions not stated): ExAC 0.00011; gnomAD exomes 0.00004; gnomAD 0.00009 and 0.00011; TOPMed 0.00011; 1000 Genomes Project 30x 0.00062; 1000 Genomes Project 0.00080.
gnomAD v4.1: 137 of 1,613,540 alleles (0.0085%); highest among the groups gnomAD compares: Admixed American, 0.018%; no homozygotes.

Submissions (12):

Labcorp Genetics (formerly Invitae), Labcorp
Classification: Pathogenic for Mucopolysaccharidosis, MPS-IV-A. Last evaluated: 2026-02-01. Review status: criteria provided, single submitter. Criteria: Invitae Variant Classification Sherloc (09022015). Collection method: clinical testing. Allele origin: germline.
Comment: This sequence change replaces glycine, which is neutral and non-polar, with cysteine, which is neutral and slightly polar, at codon 301 of the GALNS protein (p.Gly301Cys). This variant is present in population databases (rs118204443, gnomAD 0.008%). This missense change has been observed in individuals with mucopolysaccharidosis IVA (PMID: 9298823, 9385378, 15235041, 23876334). It has also been observed to segregate with disease in related individuals. ClinVar contains an entry for this variant (Variation ID: 708). An algorithm developed to predict the effect of missense changes on protein structure and function (PolyPhen-2) suggests that this variant is likely to be disruptive. Experimental studies have shown that this missense change affects GALNS function (PMID: 10814710, 17876718). For these reasons, this variant has been classified as Pathogenic.

Revvity Omics, Revvity
Classification: Pathogenic for Mucopolysaccharidosis, MPS-IV-A. Last evaluated: 2025-04-04. Review status: criteria provided, single submitter. Criteria: ACMG Guidelines, 2015. Collection method: clinical testing. Allele origin: germline.

Blueprint Genetics
Classification: Pathogenic for GALNS-related disorders. Last evaluated: 2024-11-06. Review status: criteria provided, single submitter. Criteria: ACMG Guidelines, 2015. Collection method: clinical testing. Allele origin: germline. Affected: yes. Observed: 5 variant alleles.

Molecular Genetics and NGS Laboratory, Hospital Fundacion Valle Del Lili
Classification: Pathogenic for Mucopolysaccharidosis, MPS-IV-A. Last evaluated: 2024-08-14. Review status: criteria provided, single submitter. Criteria: ACMG Guidelines, 2015. Collection method: clinical testing. Allele origin: germline. Affected: yes. Observed: 1 variant allele.
Comment: MetaRNN = 0.962 is greater than 0.939=strong pathogenic(PP3).Combined evidence strength is Strong.ClinVar classifies this variant as Pathogenic, 2 stars Supporting: UniProt Variants classifies this variant as Pathogenic. LOVD classifies this variant as Pathogenic (PP5). Alternative variant chr16:88832098 C>T (Gly307Asp) is classified Likely Pathogenic, 1 star, by ClinVar (PM5). GnomAD genomes homozygous allele count = 0 is less than 2 for AR gene GALNS. GnomAD exomes homozygous allele count = 0 is less than 2 for AR gene GALNS (PM2).

Genome-Nilou Lab
Classification: Pathogenic for Mucopolysaccharidosis, MPS-IV-A. Last evaluated: 2021-11-07. Review status: criteria provided, single submitter. Criteria: ACMG Guidelines, 2015. Collection method: clinical testing. Allele origin: germline. Affected: no.

Institute of Medical Genetics and Applied Genomics, University Hospital Tübingen
Classification: Pathogenic. Last evaluated: 2021-09-15. Review status: criteria provided, single submitter. Criteria: ACMG Guidelines, 2015. Collection method: clinical testing. Allele origin: germline. Inheritance: Autosomal recessive inheritance. Affected: yes.

Laboratory of Diagnosis and Therapy of Lysosomal Disorders, University of Padova
Classification: Pathogenic for Mucopolysaccharidosis, MPS-IV-A. Last evaluated: 2021-02-01. Review status: criteria provided, single submitter. Criteria: ACMG Guidelines, 2015. Collection method: research. Allele origin: germline. Affected: yes.
Comment: In vitro and in vivo functional studies supportive of a damaging effect on the gene product (low to null enzymatic activity in homozygotes; low to null in vitro enzymatic activity; PS3_strong); the prevalence of the variant in affected individuals is significantly increased compared with the prevalence in controls (PS4_strong); very low frequency in gnomAD v2.1.1 (PM2_moderate); multiple lines of computational evidence support a deleterious effect on the gene (PP3_supporting)

Fulgent Genetics
Classification: Pathogenic for Mucopolysaccharidosis, MPS-IV-A. Last evaluated: 2018-10-31. Review status: criteria provided, single submitter. Criteria: ACMG Guidelines, 2015. Collection method: clinical testing. Allele origin: unknown.

Women's Health and Genetics/Laboratory Corporation of America, LabCorp
Classification: Pathogenic for Morquio syndrome. Last evaluated: 2018-04-24. Review status: criteria provided, single submitter. Criteria: LabCorp Variant Classification Summary - May 2015. Collection method: clinical testing. Allele origin: germline.
Comment: Variant summary: GALNS c.901G>T (p.Gly301Cys) results in a non-conservative amino acid change located in the sulfatase, N-terminal domain (IPR000917) of the encoded protein sequence. Five of five in-silico tools predict a damaging effect of the variant on protein function. The variant allele was found at a frequency of 0.00011 in 111042 control chromosomes (gnomAD). This frequency is not higher than expected for a pathogenic variant in GALNS causing Mucopolysaccharidosis Type IVA (Morquio Syndrome A) (0.00011 vs 0.002), allowing no conclusion about variant significance. The variant, c.901G>T has been reported in the literature in multiple individuals affected with Mucopolysaccharidosis Type IVA (Morquio Syndrome A) (e.g. Kato 1997, Bunge 1997, Dung 2013). These data indicate that the variant is very likely to be associated with disease. At least one publication reports experimental evidence evaluating an impact on protein function. The most pronounced variant effect results in <10% of normal activity (Kato 1997). One clinical diagnostic laboratory has submitted clinical-significance assessments for this variant to ClinVar after 2014 without evidence for independent evaluation, and classified the variant as pathogenic. Based on the evidence outlined above, the variant was classified as pathogenic.

Eurofins Ntd Llc (ga)
Classification: Pathogenic. Last evaluated: 2016-04-20. Review status: criteria provided, single submitter. Criteria: EGL Classification Definitions. Collection method: clinical testing. Allele origin: germline. Observed: 20 variant alleles, 20 heterozygotes.

Clinical Biomedical Laboratory, Shriners Hospital For Children - Canada
Classification: Pathogenic for Mucopolysaccharidosis, MPS-IV-A. Review status: criteria provided, single submitter. Criteria: ACMG Guidelines, 2015. Collection method: clinical testing. Allele origin: germline. Affected: yes.
Comment: This variant is predicted to substitute a glycine residue by a cysteine residue in GALNS. This variant is present at very low frequency in the Genome Aggregation Database (gnomAD v2.1.1), indicating it is very rare. Computational tools (REVEL: 0.98) suggest that the amino acid change is deleterious to protein function. The gene is associated with Mucopolysaccharidosis IVA (Morquio syndrome), which is in accordance with the reported phenotype of the proband. Based on the ACMG variant interpretation guidelines (criteria: PS3, PM5, PP2, PP3), the available evidence supports classification of this variant as pathogenic.

OMIM
Classification: Pathogenic for MUCOPOLYSACCHARIDOSIS, TYPE IVA. Last evaluated: 1997-11-01. Review status: no assertion criteria provided. Collection method: literature only. Allele origin: germline. Not counted in ClinVar's aggregate classification.

Literature cited by the submitters: PubMed 9298823 (cited by 3 submitters); PubMed 9385378 (cited by 4 submitters); PubMed 15235041 (cited by Labcorp Genetics (formerly Invitae), Labcorp and Laboratory of Diagnosis and Therapy of Lysosomal Disorders, University of Padova); PubMed 23876334 (cited by 3 submitters); PubMed 10814710 (cited by Labcorp Genetics (formerly Invitae), Labcorp); PubMed 17876718 (cited by Labcorp Genetics (formerly Invitae), Labcorp); PubMed 22521955 (cited by Laboratory of Diagnosis and Therapy of Lysosomal Disorders, University of Padova); PubMed 24389823 (cited by Laboratory of Diagnosis and Therapy of Lysosomal Disorders, University of Padova); PubMed 24726177 (cited by Laboratory of Diagnosis and Therapy of Lysosomal Disorders, University of Padova); PubMed 29731656 (cited by Laboratory of Diagnosis and Therapy of Lysosomal Disorders, University of Padova); PubMed 30023300 (cited by Laboratory of Diagnosis and Therapy of Lysosomal Disorders, University of Padova); PubMed 30094185 (cited by Laboratory of Diagnosis and Therapy of Lysosomal Disorders, University of Padova); PubMed 32993725 (cited by Laboratory of Diagnosis and Therapy of Lysosomal Disorders, University of Padova); PubMed 34387910 (cited by Laboratory of Diagnosis and Therapy of Lysosomal Disorders, University of Padova); DOI 10.1016/j.mgene.2018.01.008; DOI 10.1590/S1415-47572007000400004; (cited by Laboratory of Diagnosis and Therapy of Lysosomal Disorders, University of Padova).

NM_000512.5(GALNS):c.901G>T (p.Gly301Cys)

Gene: GALNS (galactosamine (N-acetyl)-6-sulfatase; minus strand). Cytogenetic location: 16q24.3.
Variant type: single nucleotide variant.
Coding change: c.901G>T on transcript NM_000512.5 (MANE Select); coding-DNA position 901, G replaced by T.
Protein change: p.Gly301Cys; replaces glycine 301 with cysteine.
Molecular consequence: missense variant.
Genome position (GRCh38, 1-based): chr16:88,832,099, C>A on the plus strand (G>T on the coding strand, the complement: GALNS is on the minus strand). VCF-style: chr16-88832099-C-A. GRCh37 (hg19) VCF-style: chr16-88898507-C-A.
Other names: p.Gly307Cys; c.346G>T, p.Gly116Cys (NM_001323543.2); c.919G>T, p.Gly307Cys (NM_001323544.2); short protein forms G301C, G116C, G307C.
Identifiers: ClinVar variation 708 (VCV000000708.29), dbSNP rs118204443, ClinGen allele CA221063.